The following is an entry in ClinVar:

NM_001375808.2(LPIN2):c.2623C>A (p.Pro875Thr)

Gene: LPIN2 (lipin 2; minus strand). Cytogenetic location: 18p11.31.
Variant type: single nucleotide variant.
Coding change: c.2623C>A on transcript NM_001375808.2 (MANE Select); coding-DNA position 2623, C replaced by A.
Protein change: p.Pro875Thr; replaces proline 875 with threonine.
Molecular consequence: missense variant.
Genome position (GRCh38, 1-based): chr18:2,920,361, G>T on the plus strand (C>A on the coding strand, the complement: LPIN2 is on the minus strand). VCF-style: chr18-2920361-G-T. GRCh37 (hg19) VCF-style: chr18-2920359-G-T.
Other names: c.2623C>A, p.Pro875Thr (NM_001375809.1, NM_014646.2); short protein forms P875T.
Identifiers: ClinVar variation 850329 (VCV000850329.11), dbSNP rs2077035373, ClinGen allele CA401693824.

ClinVar aggregate classification (germline): Uncertain significance (1 of 4 stars; one submission).

Conditions:
Majeed syndrome (MJDS). Also called: LPIN2-Related Majeed Syndrome; CHRONIC RECURRENT MULTIFOCAL OSTEOMYELITIS 1, WITH CONGENITAL DYSERYTHROPOIETIC ANEMIA, WITH OR WITHOUT NEUTROPHILIC DERMATOSIS. Identifiers: Orphanet 77297, MedGen C1864997, MONDO:0012316, OMIM 609628.

Allele frequency attached by ClinVar (database versions not stated): TOPMed below 0.00001.

Submission:

Labcorp Genetics (formerly Invitae), Labcorp
Classification: Uncertain significance for Majeed syndrome. Last evaluated: 2019-12-26. Review status: criteria provided, single submitter. Criteria: Invitae Variant Classification Sherloc (09022015). Collection method: clinical testing. Allele origin: germline.
Comment: Algorithms developed to predict the effect of missense changes on protein structure and function are either unavailable or do not agree on the potential impact of this missense change (SIFT: "Tolerated"; PolyPhen-2: "Probably Damaging"; Align-GVGD: "Class C0"). This variant has not been reported in the literature in individuals with LPIN2-related conditions. This variant is not present in population databases (ExAC no frequency). This sequence change replaces proline with threonine at codon 875 of the LPIN2 protein (p.Pro875Thr). The proline residue is moderately conserved and there is a small physicochemical difference between proline and threonine. In summary, the available evidence is currently insufficient to determine the role of this variant in disease. Therefore, it has been classified as a Variant of Uncertain Significance.